The following is an entry in ClinVar:

ClinVar aggregate classification (germline): Pathogenic. Review status: criteria provided, multiple submitters, no conflicts (2 of 4 stars). 2 submissions from 2 submitters: Pathogenic (2). Last evaluated 2025-10-09.

Conditions:
Autosomal recessive limb-girdle muscular dystrophy type 2C (LGMDR5). Also called: MUSCULAR DYSTROPHY, DUCHENNE-LIKE; MUSCULAR DYSTROPHY, LIMB-GIRDLE, AUTOSOMAL RECESSIVE 5. Identifiers: Orphanet 353, MedGen C0410173, MONDO:0009677, OMIM 253700. Disease mechanism: Affects gamma-sarcoglycan and also disrupts the integrity of the entire sarcoglycan complex..

Allele frequency attached by ClinVar (database versions not stated): gnomAD exomes below 0.00001.
gnomAD v4.1: 2 of 1,577,232 alleles (0.00013%); highest among the groups gnomAD compares: South Asian, 0.0011%; no homozygotes.

Submissions (2):

Natera, Inc.
Classification: Pathogenic for Limb-girdle muscular dystrophy type 2C. Last evaluated: 2025-10-09. Review status: criteria provided, single submitter. Criteria: Natera Variant Classification Schema (03/2026). Collection method: clinical testing. Allele origin: germline.
Comment: The c.298-1G>A variant in SGCG is a canonical splice acceptor site variant predicted to affect pre-mRNA splicing, which may result in an abnormal transcript and altered protein product. This variant is expected to result in nonsense mediated decay, truncation, or a dysfunctional protein product. This variant is rare in the general population with a frequency below the threshold expected for the associated phenotype(s). This variant has been observed in one or more individuals affected with the associated recessive disease, as either homozygous or compound heterozygous with a second variant (PMID: 23929688). Given the available evidence, this variant is classified as Pathogenic.

Labcorp Genetics (formerly Invitae), Labcorp
Classification: Pathogenic for Autosomal recessive limb-girdle muscular dystrophy type 2C. Last evaluated: 2020-02-11. Review status: criteria provided, single submitter. Criteria: Invitae Variant Classification Sherloc (09022015). Collection method: clinical testing. Allele origin: germline.
Comment: Algorithms developed to predict the effect of sequence changes on RNA splicing suggest that this variant may disrupt the consensus splice site, but this prediction has not been confirmed by published transcriptional studies. This variant has been observed in individual(s) with SGCG-related disease (PMID: 23929688). In at least one individual the data is consistent with the variant being in trans (on the opposite chromosome) from a pathogenic variant. This variant is not present in population databases (ExAC no frequency). This sequence change affects an acceptor splice site in intron 3 of the SGCG gene. It is expected to disrupt RNA splicing and likely results in an absent or disrupted protein product. For these reasons, this variant has been classified as Pathogenic. Donor and acceptor splice site variants typically lead to a loss of protein function (PMID: 16199547), and loss-of-function variants in SGCG are known to be pathogenic (PMID: 18285821).

Literature cited by the submitters: PubMed 23929688 (cited by Natera, Inc. and Labcorp Genetics (formerly Invitae), Labcorp); PubMed 16199547 (cited by Labcorp Genetics (formerly Invitae), Labcorp); PubMed 18285821 (cited by Labcorp Genetics (formerly Invitae), Labcorp).

NM_000231.3(SGCG):c.298-1G>A

Gene: SGCG (sarcoglycan gamma; plus strand). Cytogenetic location: 13q12.12.
Variant type: single nucleotide variant.
Coding change: c.298-1G>A on transcript NM_000231.3 (MANE Select); the canonical splice acceptor site of the intron before coding-DNA position 298, G replaced by A.
Molecular consequence: splice acceptor variant.
Genome position (GRCh38, 1-based): chr13:23,250,629, G>A. VCF-style: chr13-23250629-G-A. GRCh37 (hg19) VCF-style: chr13-23824768-G-A.
Other names: c.352-1G>A (NM_001378244.1); c.298-1G>A (NM_001378245.1, NM_001378246.1, NM_000231.2).
Identifiers: ClinVar variation 1074004 (VCV001074004.13), dbSNP rs79500874, ClinGen allele CA387501518.